The following is an entry in ClinVar:

NM_138420.4(AHNAK2):c.6121C>G (p.Pro2041Ala)

Gene: AHNAK2 (AHNAK nucleoprotein 2; minus strand). Cytogenetic location: 14q32.33.
Variant type: single nucleotide variant.
Coding change: c.6121C>G on transcript NM_138420.4 (MANE Select); coding-DNA position 6121, C replaced by G.
Protein change: p.Pro2041Ala; replaces proline 2041 with alanine.
Molecular consequence: missense variant.
Genome position (GRCh38, 1-based): chr14:104,949,330, G>C on the plus strand (C>G on the coding strand, the complement: AHNAK2 is on the minus strand). VCF-style: chr14-104949330-G-C. GRCh37 (hg19) VCF-style: chr14-105415667-G-C.
Other names: c.5821C>G, p.Pro1941Ala (NM_001350929.2); c.6121C>G (NM_138420.2); short protein forms P1941A, P2041A.
Identifiers: ClinVar variation 2644755 (VCV002644755.25), dbSNP rs570119913, ClinGen allele CA7381334.

ClinVar aggregate classification (germline): Conflicting classifications of pathogenicity. Review status: criteria provided, conflicting classifications (1 of 4 stars). 2 submissions from 2 submitters: Uncertain significance (1); Likely benign (1). Last evaluated 2025-08-22.

Allele frequency attached by ClinVar (database versions not stated): ExAC 0.00010; 1000 Genomes Project 30x 0.00047; 1000 Genomes Project 0.00300; gnomAD exomes 0.00015; gnomAD 0.00017.
gnomAD v4.1: 227 of 1,471,242 alleles (0.015%); highest among the groups gnomAD compares: East Asian, 0.39%; 17 homozygotes.

Submissions (2):

Ambry Genetics
Classification: Uncertain significance. Last evaluated: 2025-08-22. Review status: criteria provided, single submitter. Criteria: Ambry Variant Classification Scheme 2023. Collection method: clinical testing. Allele origin: germline.

CeGaT Center for Human Genetics Tuebingen
Classification: Likely benign. Last evaluated: 2023-05-01. Review status: criteria provided, single submitter. Criteria: CeGaT Center For Human Genetics Tuebingen Variant Classification Criteria Version 2. Collection method: clinical testing. Allele origin: germline. Affected: yes. Observed: 1 variant allele.
Comment: AHNAK2: BP4, BS2